The following is an entry in ClinVar:

ClinVar aggregate classification (germline): Uncertain significance (1 of 4 stars; one submission).

Conditions:
CHARGE syndrome (CHARGE). Also called: Hittner Hirsch Kreh syndrome; CHARGE ASSOCIATION--COLOBOMA, HEART ANOMALY, CHOANAL ATRESIA, RETARDATION, GENITAL AND EAR ANOMALIES; Coloboma, heart anomaly, choanal atresia, retardation, genital and ear anomalies; CHARGE association; Hall-Hittner syndrome. Identifiers: Orphanet 138, MedGen C0265354, MONDO:0008965.

Submission:

Labcorp Genetics (formerly Invitae), Labcorp
Classification: Uncertain significance for CHARGE syndrome. Last evaluated: 2025-05-05. Review status: criteria provided, single submitter. Criteria: Invitae Variant Classification Sherloc (09022015). Collection method: clinical testing. Allele origin: germline.
Comment: This sequence change replaces asparagine, which is neutral and polar, with serine, which is neutral and polar, at codon 1529 of the CHD7 protein (p.Asn1529Ser). This variant is not present in population databases (gnomAD no frequency). This variant has not been reported in the literature in individuals affected with CHD7-related conditions. Invitae Evidence Modeling of protein sequence and biophysical properties (such as structural, functional, and spatial information, amino acid conservation, physicochemical variation, residue mobility, and thermodynamic stability) indicates that this missense variant is expected to disrupt CHD7 protein function with a positive predictive value of 95%. In summary, the available evidence is currently insufficient to determine the role of this variant in disease. Therefore, it has been classified as a Variant of Uncertain Significance.

NM_017780.4(CHD7):c.4586A>G (p.Asn1529Ser)

Gene: CHD7 (chromodomain helicase DNA binding protein 7; plus strand). Cytogenetic location: 8q12.2.
Variant type: single nucleotide variant.
Coding change: c.4586A>G on transcript NM_017780.4 (MANE Select); coding-DNA position 4586, A replaced by G.
Protein change: p.Asn1529Ser; replaces asparagine 1529 with serine.
Molecular consequence: missense variant. On other transcripts: intron variant (1).
Genome position (GRCh38, 1-based): chr8:60,841,696, A>G. VCF-style: chr8-60841696-A-G. GRCh37 (hg19) VCF-style: chr8-61754255-A-G.
Other names: c.1717-20533A>G (NM_001316690.1); short protein forms N1529S.
Identifiers: ClinVar variation 4746297 (VCV004746297.1).
Genomic context (GRCh38, chr8:60,841,696, plus strand): 5'-CTCTTTAGGCCAGTTTTGTTGCATCTGGAAATAGGACAGATATTTCCTTGGATGATCCAA[A>G]TTTCTGGCAAAAGTGGGCTAAGAAGGCTGAATTGGATATTGATGCCTTAAATGGGAGGGT-3'
Protein context (NP_060250.2, residues 1519-1539): NRTDISLDDP[Asn1529Ser]FWQKWAKKAE